The following is an entry in ClinVar:

ClinVar aggregate classification (germline): Pathogenic (1 of 4 stars; one submission).

Conditions:
Familial cancer of breast. Also called: hereditary breast carcinoma; BREAST CANCER, FAMILIAL; Hereditary breast cancer. Identifiers: Orphanet 227535, MedGen C0346153, MONDO:0016419, OMIM 114480. Disease mechanism: loss of function.

Submission:

Myriad Genetics, Inc.
Classification: Pathogenic for Familial cancer of breast. Last evaluated: 2024-01-30. Review status: criteria provided, single submitter. Criteria: Myriad Autosomal Dominant, Autosomal Recessive and X-Linked Classification Criteria (2023). Collection method: clinical testing. Allele origin: unknown.
Comment: This variant is considered pathogenic. This variant creates a frameshift predicted to result in premature protein truncation.

NM_000051.4(ATM):c.6667_6701del (p.Ile2223fs)

Genes: ATM (ATM serine/threonine kinase; plus strand), C11orf65 (chromosome 11 open reading frame 65; minus strand). Cytogenetic location: 11q22.3.
Variant type: Deletion.
Coding change: c.6667_6701del on transcript NM_000051.4 (MANE Select); coding-DNA positions 6667 to 6701, 35 bases deleted.
Protein change: p.Ile2223fs; shifts the reading frame from isoleucine 2223.
Molecular consequence: frameshift variant. On other transcripts: intron variant (2).
Genome position (GRCh38, 1-based): chr11:108,325,404-108,325,438, 35 bases deleted; deleting any 35 consecutive bases within chr11:108,325,401-108,325,438 gives the same sequence; the c. name uses the placement nearest the transcript's 3' end. GRCh37 (hg19): chr11:108,196,131-108,196,165.
Other names: c.641-16364_641-16330del (NM_001330368.2); c.*38+9785_*38+9819del (NM_001351110.2); c.6667_6701del, p.Ile2223fs (NM_001351834.2); short protein forms I2223fs.
Identifiers: ClinVar variation 3148788 (VCV003148788.1), dbSNP rs2547202277, ClinGen allele CA2825001931.
Genomic context (GRCh38, chr11:108,325,400, plus strand): 5'-ATATATTAAGTGGCAGAAACACTCCCAGCTTCTCAAGGACAGTGATTTTAGTTTTCAGGA[GCCTATCATGGCTCTACGCACAGTCATTTTGGAGAT>G]CCTGATGGAAAAGGAAATGGACAACTCACAAAGAGAATGTATTAAGGACATTCTCACCAA-3'